The following is an entry in ClinVar:

ClinVar aggregate classification (germline): Uncertain significance (1 of 4 stars; one submission).

Conditions:
Alstrom syndrome (ALMS). Identifiers: Orphanet 64, MedGen C0268425, MONDO:0008763, OMIM 203800.

Allele frequency attached by ClinVar (database versions not stated): gnomAD exomes below 0.00001.
gnomAD v4.1: 1 of 1,614,160 alleles (0.000062%); highest among the groups gnomAD compares: Non-Finnish European, 0.000085%; no homozygotes.

Submission:

Labcorp Genetics (formerly Invitae), Labcorp
Classification: Uncertain significance for Alstrom syndrome. Last evaluated: 2022-06-09. Review status: criteria provided, single submitter. Criteria: Invitae Variant Classification Sherloc (09022015). Collection method: clinical testing. Allele origin: germline.
Comment: In summary, the available evidence is currently insufficient to determine the role of this variant in disease. Therefore, it has been classified as a Variant of Uncertain Significance. Experimental studies and prediction algorithms are not available or were not evaluated, and the functional significance of this variant is currently unknown. This variant has not been reported in the literature in individuals affected with ALMS1-related conditions. This variant is present in population databases (no rsID available, gnomAD 0.0009%). This sequence change replaces lysine, which is basic and polar, with glutamic acid, which is acidic and polar, at codon 4109 of the ALMS1 protein (p.Lys4109Glu).

NM_001378454.1(ALMS1):c.12322A>G (p.Lys4108Glu)

Gene: ALMS1 (ALMS1 centrosome and basal body associated protein; plus strand). Cytogenetic location: 2p13.1.
Variant type: single nucleotide variant.
Coding change: c.12322A>G on transcript NM_001378454.1 (MANE Select); coding-DNA position 12322, A replaced by G.
Protein change: p.Lys4108Glu; replaces lysine 4108 with glutamic acid.
Molecular consequence: missense variant.
Genome position (GRCh38, 1-based): chr2:73,603,264, A>G. VCF-style: chr2-73603264-A-G. GRCh37 (hg19) VCF-style: chr2-73830391-A-G.
Other names: c.12325A>G, p.Lys4109Glu (NM_015120.4); short protein forms K4108E, K4109E.
Identifiers: ClinVar variation 2146793 (VCV002146793.4), dbSNP rs1196673249, ClinGen allele CA347271254.